The following is an entry in ClinVar:

NM_024598.4(USB1):c.647G>T (p.Gly216Val)

Gene: USB1 (U6 snRNA biogenesis phosphodiesterase 1; plus strand). Cytogenetic location: 16q21.
Variant type: single nucleotide variant.
Coding change: c.647G>T on transcript NM_024598.4 (MANE Select); coding-DNA position 647, G replaced by T.
Protein change: p.Gly216Val; replaces glycine 216 with valine.
Molecular consequence: missense variant.
Genome position (GRCh38, 1-based): chr16:58,019,009, G>T. VCF-style: chr16-58019009-G-T. GRCh37 (hg19) VCF-style: chr16-58052913-G-T.
Other names: c.593G>T, p.Gly198Val (NM_001195302.2); c.494G>T, p.Gly165Val (NM_001330568.2); short protein forms G165V, G216V, G198V.
Identifiers: ClinVar variation 1914702 (VCV001914702.5), dbSNP rs2544735635, ClinGen allele CA396130171.

ClinVar aggregate classification (germline): Uncertain significance (1 of 4 stars; one submission).

Submission:

Labcorp Genetics (formerly Invitae), Labcorp
Classification: Uncertain significance. Last evaluated: 2022-09-07. Review status: criteria provided, single submitter. Criteria: Invitae Variant Classification Sherloc (09022015). Collection method: clinical testing. Allele origin: germline.
Comment: In summary, the available evidence is currently insufficient to determine the role of this variant in disease. Therefore, it has been classified as a Variant of Uncertain Significance. Algorithms developed to predict the effect of missense changes on protein structure and function are either unavailable or do not agree on the potential impact of this missense change (SIFT: "Not Available"; PolyPhen-2: "Probably Damaging"; Align-GVGD: "Not Available"). This variant has not been reported in the literature in individuals affected with USB1-related conditions. This variant is not present in population databases (gnomAD no frequency). This sequence change replaces glycine, which is neutral and non-polar, with valine, which is neutral and non-polar, at codon 216 of the USB1 protein (p.Gly216Val).